The following is an entry in ClinVar:

ClinVar aggregate classification (germline): Uncertain significance. Review status: criteria provided, multiple submitters, no conflicts (2 of 4 stars). 2 submissions from 2 submitters: Uncertain significance (2). Last evaluated 2024-05-01.

Conditions:
Inborn genetic diseases. Identifiers: MedGen C0950123, MeSH D030342.
Pulmonary hypertension, primary, 1 (PPH1). Also called: Pulmonary hypertension, familial primary, 1, with or without HHT. Identifiers: Orphanet 422, MedGen C4552070, MONDO:0024533, OMIM 178600.
Pulmonary venoocclusive disease 1 (PVOD1). Also called: Pulmonary venoocclusive disease 1, autosomal dominant. Identifiers: Orphanet 31837, MedGen C3887658, MONDO:0020713, OMIM 265450.

Allele frequency attached by ClinVar (database versions not stated): gnomAD 0.00001.
gnomAD v4.1: 2 of 1,614,056 alleles (0.00012%); highest among the groups gnomAD compares: Non-Finnish European, 0.00017%; no homozygotes.

Submissions (2):

Fulgent Genetics
Classification: Uncertain significance for Pulmonary hypertension, primary, 1; Pulmonary venoocclusive disease 1. Last evaluated: 2024-05-01. Review status: criteria provided, single submitter. Criteria: ACMG Guidelines, 2015. Collection method: clinical testing. Allele origin: germline.

Ambry Genetics
Classification: Uncertain significance for Inborn genetic diseases. Last evaluated: 2021-07-18. Review status: criteria provided, single submitter. Criteria: Ambry Variant Classification Scheme 2023. Collection method: clinical testing. Allele origin: germline.
Comment: The p.T993I variant (also known as c.2978C>T), located in coding exon 13 of the BMPR2 gene, results from a C to T substitution at nucleotide position 2978. The threonine at codon 993 is replaced by isoleucine, an amino acid with similar properties. This amino acid position is conserved. In addition, this alteration is predicted to be deleterious by in silico analysis. Since supporting evidence is limited at this time, the clinical significance of this alteration remains unclear.

NM_001204.7(BMPR2):c.2978C>T (p.Thr993Ile)

Gene: BMPR2 (bone morphogenetic protein receptor type 2; plus strand). Cytogenetic location: 2q33.2.
Variant type: single nucleotide variant.
Coding change: c.2978C>T on transcript NM_001204.7 (MANE Select); coding-DNA position 2978, C replaced by T.
Protein change: p.Thr993Ile; replaces threonine 993 with isoleucine.
Molecular consequence: missense variant.
Genome position (GRCh38, 1-based): chr2:202,559,807, C>T. VCF-style: chr2-202559807-C-T. GRCh37 (hg19) VCF-style: chr2-203424530-C-T.
Other names: short protein forms T993I.
Identifiers: ClinVar variation 1798349 (VCV001798349.3), dbSNP rs1423951489, ClinGen allele CA350350507.